The following is an entry in ClinVar:

ClinVar aggregate classification (germline): Pathogenic. Review status: criteria provided, single submitter (1 of 4 stars). 2 submissions from 2 submitters: Pathogenic (1). 1 of the submissions does not count toward it. Last evaluated 2023-09-08.

Conditions:
Aniridia 1 (AN1). Identifiers: Orphanet 250923, MedGen C0344542, MONDO:0024507, OMIM 106210.
Irido-corneo-trabecular dysgenesis (ASGD5). Also called: ANTERIOR SEGMENT DYSGENESIS 5. Identifiers: Orphanet 708, MedGen C0344559, MONDO:0011414, OMIM 604229, HP:0000659.

Submissions (2):

Labcorp Genetics (formerly Invitae), Labcorp
Classification: Pathogenic for Aniridia 1; Irido-corneo-trabecular dysgenesis. Last evaluated: 2023-09-08. Review status: criteria provided, single submitter. Criteria: Invitae Variant Classification Sherloc (09022015). Collection method: clinical testing. Allele origin: germline.
Comment: This sequence change creates a premature translational stop signal (p.Trp257*) in the PAX6 gene. It is expected to result in an absent or disrupted protein product. Loss-of-function variants in PAX6 are known to be pathogenic (PMID: 12634864). For these reasons, this variant has been classified as Pathogenic. ClinVar contains an entry for this variant (Variation ID: 800455). This variant is also known as c.1132G>A. This premature translational stop signal has been observed in individual(s) with partial aniridia (PMID: 18241071). This variant is not present in population databases (gnomAD no frequency).

Wessex Regional Genetics Laboratory, Salisbury District Hospital
Classification: Pathogenic for Aniridia 1. Last evaluated: 2019-08-15. Review status: no assertion criteria provided. Criteria: ACMG Guidelines, 2015. Collection method: clinical testing. Allele origin: unknown. Inheritance: Autosomal dominant inheritance. Affected: yes. Not counted in ClinVar's aggregate classification.

Literature cited by the submitters: PubMed 12634864 (cited by Labcorp Genetics (formerly Invitae), Labcorp); PubMed 18241071 (cited by Labcorp Genetics (formerly Invitae), Labcorp).

NM_001368894.2(PAX6):c.812G>A (p.Trp271Ter)

Gene: PAX6 (paired box 6; minus strand). Cytogenetic location: 11p13.
Variant type: single nucleotide variant.
Coding change: c.812G>A on transcript NM_001368894.2 (MANE Select); coding-DNA position 812, G replaced by A.
Protein change: p.Trp271Ter; replaces tryptophan 271 with a stop codon.
Molecular consequence: nonsense. On other transcripts: non-coding transcript variant (2).
Genome position (GRCh38, 1-based): chr11:31,793,798, C>T on the plus strand (G>A on the coding strand, the complement: PAX6 is on the minus strand). VCF-style: chr11-31793798-C-T. GRCh37 (hg19) VCF-style: chr11-31815346-C-T.
Other names: c.770G>A, p.Trp257Ter (NM_001368888.2, NM_001368889.2, NM_001368890.2 and 10 more transcripts); c.812G>A, p.Trp271Ter (NM_001368892.2, NM_001368893.2, NM_001258462.3 and 6 more transcripts); c.362G>A, p.Trp121Ter (NM_001310160.2, NM_001310161.3, NM_001368899.2 and 11 more transcripts); c.1013G>A, p.Trp338Ter (NM_001368910.2); c.815G>A, p.Trp272Ter (NM_001368911.2); c.887G>A, p.Trp296Ter (NM_001368918.2, NM_001368919.2); c.845G>A, p.Trp282Ter (NM_001368920.2); c.611G>A, p.Trp204Ter (NM_001368921.2, NM_001368922.2, NM_001368923.2 and 4 more transcripts); and 2 more; short protein forms W282*, W296*, W272*, W56*, W204*, W338*, W121*, W190*.
Identifiers: ClinVar variation 800455 (VCV000800455.5), dbSNP rs1592416453, ClinGen allele CA379956578.
Genomic context (GRCh38, chr11:31,793,798, plus strand): 5'-TGTCTTCTCTGATTCCTCAGTTTTTCTTCTCTTCTCCATTTGGCCCTTCGATTAGAAAAC[C>T]ATACCTGGAAATCAGGTGGGACAGGTTAGCACTGTGTCTACGTCGAGCCCAGCCCCACCT-3'